The following is an entry in ClinVar:

ClinVar aggregate classification (germline): Benign (0 of 4 stars; one submission).

Conditions:
CCL2-related disorder. Also called: CCL2-related condition.

Allele frequency attached by ClinVar (database versions not stated): gnomAD exomes 0.38740; ExAC 0.44201; ESP Exome Variant Server 0.46402; gnomAD 0.47629; TOPMed 0.49300; 1000 Genomes Project 0.54233; 1000 Genomes Project 30x 0.54544.
gnomAD v4.1: 637,758 of 1,609,614 alleles (40%); highest among the groups gnomAD compares: African/African-American, 67%; 133,317 homozygotes.

Submission:

PreventionGenetics, part of Exact Sciences
Classification: Benign for CCL2-related condition. Last evaluated: 2019-10-17. Review status: no assertion criteria provided. Collection method: clinical testing. Allele origin: germline.
Comment: This variant is classified as benign based on ACMG/AMP sequence variant interpretation guidelines (Richards et al. 2015 PMID: 25741868, with internal and published modifications).

NM_002982.4(CCL2):c.105T>C (p.Cys35=)

Gene: CCL2 (C-C motif chemokine ligand 2; plus strand). Cytogenetic location: 17q12.
Variant type: single nucleotide variant.
Coding change: c.105T>C on transcript NM_002982.4 (MANE Select); coding-DNA position 105, T replaced by C.
Protein change: p.Cys35=; no amino-acid change (cysteine 35 retained).
Molecular consequence: synonymous variant.
Genome position (GRCh38, 1-based): chr17:34,256,250, T>C. VCF-style: chr17-34256250-T-C. GRCh37 (hg19) VCF-style: chr17-32583269-T-C.
Identifiers: ClinVar variation 3059105 (VCV003059105.2), dbSNP rs4586, ClinGen allele CA8495435.